The following is an entry in ClinVar:

NM_001277115.2(DNAH11):c.12195+3A>G

Gene: DNAH11 (dynein axonemal heavy chain 11; plus strand). Cytogenetic location: 7p15.3.
Variant type: single nucleotide variant.
Coding change: c.12195+3A>G on transcript NM_001277115.2 (MANE Select); 3 bases into the intron after coding-DNA position 12195, A replaced by G.
Molecular consequence: intron variant.
Genome position (GRCh38, 1-based): chr7:21,873,504, A>G. VCF-style: chr7-21873504-A-G. GRCh37 (hg19) VCF-style: chr7-21913122-A-G.
Identifiers: ClinVar variation 664401 (VCV000664401.4), dbSNP rs763238523, ClinGen allele CA4182981.
Genomic context (GRCh38, chr7:21,873,504, plus strand): 5'-TGAACCCCCAACAGGGATGCTGGCCAATTTGCATGCCGCCCTGTACAACTTTGATCAGGT[A>G]AGAAAGCGAAGCAGGCTAGGCAGACAATGAAGTCAGAGTCATCTCACAAGACTGTGGGGC-3'

ClinVar aggregate classification (germline): Uncertain significance (1 of 4 stars; one submission).

Conditions:
Primary ciliary dyskinesia. Also called: Ciliary dyskinesia. Identifiers: Orphanet 244, MedGen C0008780, MONDO:0016575, HP:0012265.

Allele frequency attached by ClinVar (database versions not stated): gnomAD exomes below 0.00001; ExAC 0.00001; gnomAD 0.00001; TOPMed 0.00001.
gnomAD v4.1: 2 of 1,613,460 alleles (0.00012%); highest among the groups gnomAD compares: Admixed American, 0.0033%; no homozygotes.

Submission:

Labcorp Genetics (formerly Invitae), Labcorp
Classification: Uncertain significance for Primary ciliary dyskinesia. Last evaluated: 2018-11-03. Review status: criteria provided, single submitter. Criteria: Invitae Variant Classification Sherloc (09022015). Collection method: clinical testing. Allele origin: germline.
Comment: This sequence change falls in intron 74 of the DNAH11 gene. It does not directly change the encoded amino acid sequence of the DNAH11 protein, but it affects a nucleotide within the consensus splice site of the intron. This variant is present in population databases (rs763238523, ExAC 0.009%). This variant has not been reported in the literature in individuals with DNAH11-related disease. Nucleotide substitutions within the consensus splice site are a relatively common cause of aberrant splicing (PMID: 17576681, 9536098). Algorithms developed to predict the effect of sequence changes on RNA splicing suggest that this variant is not likely to affect RNA splicing, but this prediction has not been confirmed by published transcriptional studies. In summary, the available evidence is currently insufficient to determine the role of this variant in disease. Therefore, it has been classified as a Variant of Uncertain Significance.

Literature cited by the submitters: PubMed 17576681; PubMed 9536098.